The following is an entry in ClinVar:

ClinVar aggregate classification (germline): Uncertain significance (1 of 4 stars; one submission).

Conditions:
Aniridia 1 (AN1). Identifiers: Orphanet 250923, MedGen C0344542, MONDO:0024507, OMIM 106210.
Irido-corneo-trabecular dysgenesis (ASGD5). Also called: ANTERIOR SEGMENT DYSGENESIS 5. Identifiers: Orphanet 708, MedGen C0344559, MONDO:0011414, OMIM 604229, HP:0000659.

Submission:

Labcorp Genetics (formerly Invitae), Labcorp
Classification: Uncertain significance for Aniridia 1; Irido-corneo-trabecular dysgenesis. Last evaluated: 2025-03-12. Review status: criteria provided, single submitter. Criteria: Invitae Variant Classification Sherloc (09022015). Collection method: clinical testing. Allele origin: germline.
Comment: This sequence change replaces arginine, which is basic and polar, with glutamine, which is neutral and polar, at codon 19 of the PAX6 protein (p.Arg19Gln). This variant is not present in population databases (gnomAD no frequency). This variant has not been reported in the literature in individuals affected with PAX6-related conditions. This missense change has been observed in at least one individual who was not affected with PAX6-related conditions (internal data). Invitae Evidence Modeling of protein sequence and biophysical properties (such as structural, functional, and spatial information, amino acid conservation, physicochemical variation, residue mobility, and thermodynamic stability) indicates that this missense variant is expected to disrupt PAX6 protein function with a positive predictive value of 80%. In summary, the available evidence is currently insufficient to determine the role of this variant in disease. Therefore, it has been classified as a Variant of Uncertain Significance.

NM_001368894.2(PAX6):c.56G>A (p.Arg19Gln)

Gene: PAX6 (paired box 6; minus strand). Cytogenetic location: 11p13.
Variant type: single nucleotide variant.
Coding change: c.56G>A on transcript NM_001368894.2 (MANE Select); coding-DNA position 56, G replaced by A.
Protein change: p.Arg19Gln; replaces arginine 19 with glutamine.
Molecular consequence: missense variant. On other transcripts: 5 prime UTR variant (12), non-coding transcript variant (2), intron variant (2).
Genome position (GRCh38, 1-based): chr11:31,802,789, C>T on the plus strand (G>A on the coding strand, the complement: PAX6 is on the minus strand). VCF-style: chr11-31802789-C-T. GRCh37 (hg19) VCF-style: chr11-31824337-C-T.
Other names: c.56G>A, p.Arg19Gln (NM_000280.6, NM_001127612.3, NM_001258462.3 and 30 more transcripts); c.-726G>A (NM_001310160.2, NM_001368905.2); c.-395G>A (NM_001310161.3, NM_001368900.2, NM_001368903.2 and 2 more transcripts); c.-353G>A (NM_001368899.2, NM_001368901.2, NM_001368906.2 and 1 more transcripts); c.-684G>A (NM_001368902.2); c.299G>A, p.Arg100Gln (NM_001368910.2); c.59G>A, p.Arg20Gln (NM_001368911.2); c.-267-1013G>A (NM_001368909.2, NM_001368904.2); short protein forms R100Q, R19Q, R20Q.
Identifiers: ClinVar variation 3758640 (VCV003758640.2).
Genomic context (GRCh38, chr11:31,802,789, plus strand): 5'-GGCCGGGCCCCGCTGTGAGCTAGCTCTACAATCTTCTGCCGGGTGGAGTCCGGCAGTGGC[C>T]GCCCGTTGACAAAGACACCACCGAGCTGATTCACTCCGCTGTGACCTGAGGAAAGGGAGA-3'
Protein context (NP_001355823.1, residues 9-29): NQLGGVFVNG[Arg19Gln]PLPDSTRQKI